The following is an entry in ClinVar:

NM_017534.6(MYH2):c.5584G>C (p.Glu1862Gln)

Genes: MYH2 (myosin heavy chain 2; minus strand), MYHAS (myosin heavy chain gene cluster antisense RNA; plus strand). Cytogenetic location: 17p13.1.
Variant type: single nucleotide variant.
Coding change: c.5584G>C on transcript NM_017534.6 (MANE Select); coding-DNA position 5584, G replaced by C.
Protein change: p.Glu1862Gln; replaces glutamic acid 1862 with glutamine.
Molecular consequence: missense variant.
Genome position (GRCh38, 1-based): chr17:10,523,179, C>G on the plus strand (G>C on the coding strand, the complement: MYH2 is on the minus strand). VCF-style: chr17-10523179-C-G. GRCh37 (hg19) VCF-style: chr17-10426496-C-G.
Other names: c.5584G>C, p.Glu1862Gln (NM_001100112.2); short protein forms E1862Q.
Identifiers: ClinVar variation 2715496 (VCV002715496.3), dbSNP rs1470744409, ClinGen allele CA398114345.

ClinVar aggregate classification (germline): Uncertain significance (1 of 4 stars; one submission).

Conditions:
Myopathy, proximal, and ophthalmoplegia (CMYO6). Also called: INCLUSION BODY MYOPATHY 3, AUTOSOMAL DOMINANT; CONGENITAL MYOPATHY 6 WITH OPHTHALMOPLEGIA; MYOPATHY WITH CONGENITAL JOINT CONTRACTURES, OPHTHALMOPLEGIA, AND RIMMED VACUOLES. Identifiers: Orphanet 363677, Orphanet 79091, MedGen C1854106, MONDO:0011577, OMIM 605637.

Submission:

Labcorp Genetics (formerly Invitae), Labcorp
Classification: Uncertain significance for Myopathy, proximal, and ophthalmoplegia. Last evaluated: 2025-10-02. Review status: criteria provided, single submitter. Criteria: Invitae Variant Classification Sherloc (09022015). Collection method: clinical testing. Allele origin: germline.
Comment: This sequence change replaces glutamic acid, which is acidic and polar, with glutamine, which is neutral and polar, at codon 1862 of the MYH2 protein (p.Glu1862Gln). This variant is not present in population databases (gnomAD no frequency). This variant has not been reported in the literature in individuals affected with MYH2-related conditions. ClinVar contains an entry for this variant (Variation ID: 2715496). Invitae Evidence Modeling of protein sequence and biophysical properties (such as structural, functional, and spatial information, amino acid conservation, physicochemical variation, residue mobility, and thermodynamic stability) indicates that this missense variant is expected to disrupt MYH2 protein function with a positive predictive value of 80%. In summary, the available evidence is currently insufficient to determine the role of this variant in disease. Therefore, it has been classified as a Variant of Uncertain Significance.